The following is an entry in ClinVar:

NM_001199397.3(NEK1):c.1042A>G (p.Arg348Gly)

Gene: NEK1 (NIMA related kinase 1; minus strand). Cytogenetic location: 4q33.
Variant type: single nucleotide variant.
Coding change: c.1042A>G on transcript NM_001199397.3 (MANE Select); coding-DNA position 1042, A replaced by G.
Protein change: p.Arg348Gly; replaces arginine 348 with glycine.
Molecular consequence: missense variant. On other transcripts: non-coding transcript variant (2).
Genome position (GRCh38, 1-based): chr4:169,562,175, T>C on the plus strand (A>G on the coding strand, the complement: NEK1 is on the minus strand). VCF-style: chr4-169562175-T-C. GRCh37 (hg19) VCF-style: chr4-170483326-T-C.
Other names: c.1042A>G, p.Arg348Gly (NM_001199398.3, NM_001199399.3, NM_001199400.3 and 11 more transcripts); c.421A>G, p.Arg141Gly (NM_001440624.1, NM_001440625.1); short protein forms R348G, R141G.
Identifiers: ClinVar variation 4998773 (VCV004998773.1).

ClinVar aggregate classification (germline): Uncertain significance (1 of 4 stars; one submission).

Conditions:
NEK1-related disorder. Also called: NEK1-related condition.

Submission:

PreventionGenetics, part of Exact Sciences
Classification: Uncertain significance for NEK1-related condition. Last evaluated: 2025-10-20. Review status: criteria provided, single submitter. Criteria: ACMG Guidelines, 2015. Collection method: clinical testing. Allele origin: germline.
Comment: The NEK1 c.1042A>G variant is predicted to result in the amino acid substitution p.Arg348Gly. To our knowledge, this variant has not been reported in the literature. This variant is reported in 0.023% of alleles in individuals of African descent in gnomAD. At this time, the clinical significance of this variant is uncertain due to the absence of conclusive functional and genetic evidence.